The following is an entry in ClinVar:

NM_004821.3(HAND1):c.7C>G (p.Leu3Val)

Gene: HAND1 (heart and neural crest derivatives expressed 1; minus strand). Cytogenetic location: 5q33.2.
Variant type: single nucleotide variant.
Coding change: c.7C>G on transcript NM_004821.3 (MANE Select); coding-DNA position 7, C replaced by G.
Protein change: p.Leu3Val; replaces leucine 3 with valine.
Molecular consequence: missense variant.
Genome position (GRCh38, 1-based): chr5:154,478,002, G>C on the plus strand (C>G on the coding strand, the complement: HAND1 is on the minus strand). VCF-style: chr5-154478002-G-C. GRCh37 (hg19) VCF-style: chr5-153857562-G-C.
Other names: c.7C>G (NM_004821.2); short protein forms L3V.
Identifiers: ClinVar variation 2194504 (VCV002194504.5), dbSNP rs1299508908, ClinGen allele CA361924776.

ClinVar aggregate classification (germline): Uncertain significance. Review status: criteria provided, multiple submitters, no conflicts (2 of 4 stars). 2 submissions from 2 submitters: Uncertain significance (2). Last evaluated 2025-09-10.

Conditions:
Hypoplastic left heart syndrome. Also called: Hypoplastic left ventricle; Hypoplastic left heart. Identifiers: Orphanet 2248, MedGen C0152101, MONDO:0004933, HP:0004383.

Allele frequency attached by ClinVar (database versions not stated): TOPMed below 0.00001; gnomAD 0.00001; gnomAD exomes 0.00001.
gnomAD v4.1: 12 of 1,597,702 alleles (0.00075%); highest among the groups gnomAD compares: Non-Finnish European, 0.00093%; no homozygotes.

Submissions (2):

Ambry Genetics
Classification: Uncertain significance. Last evaluated: 2025-09-10. Review status: criteria provided, single submitter. Criteria: Ambry Variant Classification Scheme 2023. Collection method: clinical testing. Allele origin: germline.

Labcorp Genetics (formerly Invitae), Labcorp
Classification: Uncertain significance for Hypoplastic left heart syndrome. Last evaluated: 2022-05-22. Review status: criteria provided, single submitter. Criteria: Invitae Variant Classification Sherloc (09022015). Collection method: clinical testing. Allele origin: germline.
Comment: Algorithms developed to predict the effect of missense changes on protein structure and function are either unavailable or do not agree on the potential impact of this missense change (SIFT: "Deleterious"; PolyPhen-2: "Probably Damaging"; Align-GVGD: "Class C0"). In summary, the available evidence is currently insufficient to determine the role of this variant in disease. Therefore, it has been classified as a Variant of Uncertain Significance. This sequence change replaces leucine, which is neutral and non-polar, with valine, which is neutral and non-polar, at codon 3 of the HAND1 protein (p.Leu3Val). This variant is not present in population databases (gnomAD no frequency). This variant has not been reported in the literature in individuals affected with HAND1-related conditions.